The following is an entry in ClinVar:

NM_198506.5(LRIT3):c.1799G>C (p.Cys600Ser)

Gene: LRIT3 (leucine rich repeat, Ig-like and transmembrane domains 3; plus strand). Cytogenetic location: 4q25.
Variant type: single nucleotide variant.
Coding change: c.1799G>C on transcript NM_198506.5 (MANE Select); coding-DNA position 1799, G replaced by C.
Protein change: p.Cys600Ser; replaces cysteine 600 with serine.
Molecular consequence: missense variant.
Genome position (GRCh38, 1-based): chr4:109,870,548, G>C. VCF-style: chr4-109870548-G-C. GRCh37 (hg19) VCF-style: chr4-110791704-G-C.
Other names: short protein forms C600S.
Identifiers: ClinVar variation 933652 (VCV000933652.6), dbSNP rs1734809534, ClinGen allele CA357872858.

ClinVar aggregate classification (germline): Uncertain significance (1 of 4 stars; one submission).

Submission:

Labcorp Genetics (formerly Invitae), Labcorp
Classification: Uncertain significance. Last evaluated: 2019-07-04. Review status: criteria provided, single submitter. Criteria: Invitae Variant Classification Sherloc (09022015). Collection method: clinical testing. Allele origin: germline.
Comment: This sequence change replaces cysteine with serine at codon 600 of the LRIT3 protein (p.Cys600Ser). The cysteine residue is weakly conserved and there is a moderate physicochemical difference between cysteine and serine. This variant is not present in population databases (ExAC no frequency). This variant has not been reported in the literature in individuals with LRIT3-related conditions. Algorithms developed to predict the effect of missense changes on protein structure and function (SIFT, PolyPhen-2, Align-GVGD) all suggest that this variant is likely to be tolerated, but these predictions have not been confirmed by published functional studies and their clinical significance is uncertain. In summary, the available evidence is currently insufficient to determine the role of this variant in disease. Therefore, it has been classified as a Variant of Uncertain Significance.